The following is an entry in ClinVar:

NC_000015.10:g.84817043C>T

Gene: ALPK3 (alpha kinase 3; plus strand). Cytogenetic location: 15q25.3.
Variant type: single nucleotide variant.
Genome position: GRCh38 VCF-style: chr15-84817043-C-T. GRCh37 (hg19) VCF-style: chr15-85360274-C-T.
Identifiers: ClinVar variation 3688109 (VCV003688109.2).
Genomic context (GRCh38, chr15:84,817,043, plus strand): 5'-CAGCGGTTGACCTGGCTCCCCTGGCCCCGGCCAGGCCTCGTGGACCCCTCATATGCCACA[C>T]GGGACATGAGCAGGCCGGCCGGGAGCCGGGTCCCGGGAGCTCCACGAAGGGGCCTGTCCT-3'

ClinVar aggregate classification (germline): Uncertain significance (1 of 4 stars; one submission).

Submission:

Labcorp Genetics (formerly Invitae), Labcorp
Classification: Uncertain significance. Last evaluated: 2024-06-30. Review status: criteria provided, single submitter. Criteria: Invitae Variant Classification Sherloc (09022015). Collection method: clinical testing. Allele origin: germline.
Comment: This sequence change replaces threonine, which is neutral and polar, with methionine, which is neutral and non-polar, at codon 66 of the ALPK3 protein (p.Thr66Met). The frequency data for this variant in the population databases is considered unreliable, as metrics indicate poor data quality at this position in the gnomAD database. This variant has not been reported in the literature in individuals affected with ALPK3-related conditions. An algorithm developed to predict the effect of missense changes on protein structure and function (PolyPhen-2) suggests that this variant is likely to be disruptive. In summary, the available evidence is currently insufficient to determine the role of this variant in disease. Therefore, it has been classified as a Variant of Uncertain Significance.